The following is an entry in ClinVar:

ClinVar aggregate classification (germline): Uncertain significance (1 of 4 stars; one submission).

Conditions:
Hereditary breast ovarian cancer syndrome. Also called: Hereditary breast and ovarian cancer syndrome (HBOC); Hereditary breast and ovarian cancer; Breast and ovarian cancer; Hereditary breast and/or ovarian cancer syndrome; BRCA1- and BRCA2-Associated Hereditary Breast and Ovarian Cancer; Hereditary breast and ovarian cancer syndrome. Identifiers: Orphanet 145, MedGen C0677776, MeSH D061325, MONDO:0003582. Disease mechanism: loss of function.

Submission:

Labcorp Genetics (formerly Invitae), Labcorp
Classification: Uncertain significance for Hereditary breast ovarian cancer syndrome. Last evaluated: 2025-07-08. Review status: criteria provided, single submitter. Criteria: Invitae Variant Classification Sherloc (09022015). Collection method: clinical testing. Allele origin: germline.
Comment: This sequence change replaces threonine, which is neutral and polar, with serine, which is neutral and polar, at codon 549 of the BRCA1 protein (p.Thr549Ser). This variant is not present in population databases (gnomAD no frequency). This variant has not been reported in the literature in individuals affected with BRCA1-related conditions. Invitae Evidence Modeling of protein sequence and biophysical properties (such as structural, functional, and spatial information, amino acid conservation, physicochemical variation, residue mobility, and thermodynamic stability) indicates that this missense variant is not expected to disrupt BRCA1 protein function with a negative predictive value of 80%. In summary, the available evidence is currently insufficient to determine the role of this variant in disease. Therefore, it has been classified as a Variant of Uncertain Significance.

NM_007294.4(BRCA1):c.1646C>G (p.Thr549Ser)

Gene: BRCA1 (BRCA1 DNA repair associated; minus strand). Cytogenetic location: 17q21.31.
Variant type: single nucleotide variant.
Coding change: c.1646C>G on transcript NM_007294.4 (MANE Select); coding-DNA position 1646, C replaced by G.
Protein change: p.Thr549Ser; replaces threonine 549 with serine.
Molecular consequence: missense variant. On other transcripts: intron variant (137).
Genome position (GRCh38, 1-based): chr17:43,093,885, G>C on the plus strand (C>G on the coding strand, the complement: BRCA1 is on the minus strand). VCF-style: chr17-43093885-G-C. GRCh37 (hg19) VCF-style: chr17-41245902-G-C.
Other names: c.646+859C>G (NM_001408457.1, NM_001408460.1, NM_001408454.1 and 11 more transcripts); c.520+859C>G (NM_001408505.1, NM_001408503.1, NM_001408504.1); c.460+1961C>G (NM_001408507.1, NM_001408506.1); c.545-2853C>G (NM_001408495.1); c.661+859C>G (NM_001408448.1, NM_001408447.1, NM_001408433.1 and 6 more transcripts); c.667+1961C>G (NM_001408421.1, NM_001408431.1, NM_001408424.1); c.784+859C>G (NM_001407991.1, NM_001408400.1, NM_001408392.1 and 13 more transcripts); c.664+859C>G (NM_001408427.1, NM_001408441.1, NM_001408437.1 and 12 more transcripts); and 40 more; short protein forms T253S, T381S, T421S, T422S, T437S, T438S, T460S, T461S.
Identifiers: ClinVar variation 4800857 (VCV004800857.1).